The following is an entry in ClinVar:

ClinVar aggregate classification (germline): Likely benign (1 of 4 stars; one submission).

Submission:

CeGaT Center for Human Genetics Tuebingen
Classification: Likely benign. Last evaluated: 2024-11-01. Review status: criteria provided, single submitter. Criteria: CeGaT Center For Human Genetics Tuebingen Variant Classification Criteria Version 2. Collection method: clinical testing. Allele origin: germline. Affected: yes. Observed: 1 variant allele.
Comment: FSCN2: PM2:Supporting, BP4, BP7

NM_012418.4(FSCN2):c.1224C>A (p.Val408=)

Gene: FSCN2 (fascin actin-bundling protein 2, retinal; plus strand). Cytogenetic location: 17q25.3.
Variant type: single nucleotide variant.
Coding change: c.1224C>A on transcript NM_012418.4 (MANE Select); coding-DNA position 1224, C replaced by A.
Protein change: p.Val408=; no amino-acid change (valine 408 retained).
Molecular consequence: synonymous variant.
Genome position (GRCh38, 1-based): chr17:81,536,740, C>A. VCF-style: chr17-81536740-C-A. GRCh37 (hg19) VCF-style: chr17-79503766-C-A.
Other names: c.1296C>A, p.Val432= (NM_001077182.3).
Identifiers: ClinVar variation 3389517 (VCV003389517.14).